The following is an entry in ClinVar:

ClinVar aggregate classification (germline): Conflicting classifications of pathogenicity. Review status: criteria provided, conflicting classifications (1 of 4 stars). 5 submissions from 5 submitters: Uncertain significance (4); Likely benign (1). Last evaluated 2025-07-03.

Conditions:
Hereditary cancer-predisposing syndrome. Also called: Hereditary Cancer Syndrome; Hereditary neoplastic syndrome; Tumor predisposition; Neoplastic Syndromes, Hereditary. Identifiers: Orphanet 140162, MedGen C0027672, MeSH D009386, MONDO:0015356.
Hereditary nonpolyposis colorectal neoplasms. Identifiers: MedGen C0009405, MeSH D003123.
Endometrial carcinoma. Also called: Endometrial carcinoma, somatic. Identifiers: MedGen C0476089, MONDO:0002447, OMIM 608089, HP:0012114.

gnomAD v4.1: 3 of 1,614,108 alleles (0.00019%); highest among the groups gnomAD compares: Non-Finnish European, 0.00025%; no homozygotes.

Submissions (5):

Catlab - Consorci Sanitari de Terrassa
Classification: Uncertain significance for Hereditary cancer-predisposing syndrome. Last evaluated: 2025-07-03. Review status: criteria provided, single submitter. Criteria: ClinGen CRC ACMG Specifications MSH6 V1.0.0. Collection method: clinical testing. Allele origin: germline.
Comment: Based on the currently available information, this variant is classified as Variant of Uncertain Significance according to ClinGen-MSH6 v1.0.0 guidelines. ACMG criteria: PM2_supp, BP4.

Labcorp Genetics (formerly Invitae), Labcorp
Classification: Uncertain significance for Hereditary nonpolyposis colorectal neoplasms. Last evaluated: 2024-10-09. Review status: criteria provided, single submitter. Criteria: Invitae Variant Classification Sherloc (09022015). Collection method: clinical testing. Allele origin: germline.
Comment: This sequence change replaces isoleucine, which is neutral and non-polar, with leucine, which is neutral and non-polar, at codon 1079 of the MSH6 protein (p.Ile1079Leu). This variant is not present in population databases (gnomAD no frequency). This variant has not been reported in the literature in individuals affected with MSH6-related conditions. ClinVar contains an entry for this variant (Variation ID: 127583). Invitae Evidence Modeling of protein sequence and biophysical properties (such as structural, functional, and spatial information, amino acid conservation, physicochemical variation, residue mobility, and thermodynamic stability) indicates that this missense variant is not expected to disrupt MSH6 protein function with a negative predictive value of 95%. In summary, the available evidence is currently insufficient to determine the role of this variant in disease. Therefore, it has been classified as a Variant of Uncertain Significance.

Baylor Genetics
Classification: Uncertain significance for Endometrial carcinoma. Last evaluated: 2024-02-09. Review status: criteria provided, single submitter. Criteria: ACMG Guidelines, 2015. Collection method: clinical testing. Allele origin: unknown.

Ambry Genetics
Classification: Likely benign for Hereditary cancer-predisposing syndrome. Last evaluated: 2022-07-11. Review status: criteria provided, single submitter. Criteria: Ambry Variant Classification Scheme 2023. Collection method: clinical testing. Allele origin: germline.

GeneDx
Classification: Uncertain significance. Last evaluated: 2014-02-26. Review status: criteria provided, single submitter. Criteria: GeneDx Variant Classification (06012015). Collection method: clinical testing. Allele origin: germline. Affected: yes.
Comment: This variant is denoted MSH6 c.3235A>C at the cDNA level, p.Ile1079Leu (I1079L) at the protein level, and results in the change of an Isoleucine to a Leucine (ATT>CTT). This variant has not, to our knowledge, been published in the literature as pathogenic or benign. MSH6 Ile1079Leu was not observed in approximately 6,500 individuals of European and African American ancestry in the NHLBI Exome Sequencing Project, indicating it is not a common benign variant in these populations. Since Isoleucine and Leucine share similar properties, this is considered a conservative amino acid substitution. MSH6 Ile1079Leu occurs at a position that is variable across species and is not located in a known functional domain. In silico analyses are inconsistent regarding the effect this variant may have on protein structure and function. Based on currently available information, it is unclear whether MSH6 Ile1079Leu is pathogenic or benign. We consider it to be a variant of uncertain significance.

Literature cited by the submitters: PubMed 30306255 (cited by Ambry Genetics).

NM_000179.3(MSH6):c.3235A>C (p.Ile1079Leu)

Gene: MSH6 (mutS homolog 6; plus strand). Cytogenetic location: 2p16.3.
Variant type: single nucleotide variant.
Coding change: c.3235A>C on transcript NM_000179.3 (MANE Select); coding-DNA position 3235, A replaced by C.
Protein change: p.Ile1079Leu; replaces isoleucine 1079 with leucine.
Molecular consequence: missense variant.
Genome position (GRCh38, 1-based): chr2:47,803,482, A>C. VCF-style: chr2-47803482-A-C. GRCh37 (hg19) VCF-style: chr2-48030621-A-C.
Other names: p.I1079L:ATT>CTT; c.2845A>C, p.Ile949Leu (NM_001281492.2); c.2329A>C, p.Ile777Leu (NM_001281493.2, NM_001281494.2); short protein forms I1079L, I949L, I777L.
Identifiers: ClinVar variation 127583 (VCV000127583.9), dbSNP rs587779933, ClinGen allele CA012114.